The following is an entry in ClinVar:

NM_005204.4(MAP3K8):c.585C>T (p.Gly195=)

Gene: MAP3K8 (mitogen-activated protein kinase kinase kinase 8; plus strand). Cytogenetic location: 10p11.23.
Variant type: single nucleotide variant.
Coding change: c.585C>T on transcript NM_005204.4 (MANE Select); coding-DNA position 585, C replaced by T.
Protein change: p.Gly195=; no amino-acid change (glycine 195 retained).
Molecular consequence: synonymous variant.
Genome position (GRCh38, 1-based): chr10:30,450,338, C>T. VCF-style: chr10-30450338-C-T. GRCh37 (hg19) VCF-style: chr10-30739267-C-T.
Other names: c.585C>T, p.Gly195= (NM_001244134.1, NM_001320961.2); c.585C>T (NM_005204.3).
Identifiers: ClinVar variation 2422013 (VCV002422013.9), dbSNP rs777369971, ClinGen allele CA5459698.
Genomic context (GRCh38, chr10:30,450,338, plus strand): 5'-GCCATCTGATGTGGAAATCCAGGCTTGCTTCCGGCACGAGAACATCGCAGAGCTGTATGG[C>T]GCAGTCCTGTGGGGTGAAACTGTCCATCTCTTTATGGAAGCAGGCGAGGGAGGGTCTGTT-3'
Protein context (NP_005195.2, residues 185-205): FRHENIAELY[Gly195=]AVLWGETVHL

ClinVar aggregate classification (germline): Likely benign. Review status: criteria provided, single submitter (1 of 4 stars). 2 submissions from 2 submitters: Likely benign (1). 1 of the submissions does not count toward it. Last evaluated 2025-07-30.

Conditions:
MAP3K8-related disorder. Also called: MAP3K8-related condition.

Allele frequency attached by ClinVar (database versions not stated): ExAC 0.00001; gnomAD 0.00003; gnomAD exomes 0.00004.
gnomAD v4.1: 69 of 1,613,974 alleles (0.0043%); highest among the groups gnomAD compares: Admixed American, 0.01%; no homozygotes.

Submissions (2):

Labcorp Genetics (formerly Invitae), Labcorp
Classification: Likely benign. Last evaluated: 2025-07-30. Review status: criteria provided, single submitter. Criteria: Invitae Variant Classification Sherloc (09022015). Collection method: clinical testing. Allele origin: germline.

PreventionGenetics, part of Exact Sciences
Classification: Likely benign for MAP3K8-related condition. Last evaluated: 2019-12-24. Review status: no assertion criteria provided. Collection method: clinical testing. Allele origin: germline. Not counted in ClinVar's aggregate classification.
Comment: This variant is classified as likely benign based on ACMG/AMP sequence variant interpretation guidelines (Richards et al. 2015 PMID: 25741868, with internal and published modifications).